The following is an entry in ClinVar:

NM_001378328.1(CELSR1):c.3169C>T (p.Arg1057Cys)

Gene: CELSR1 (cadherin EGF LAG seven-pass G-type receptor 1; minus strand). Cytogenetic location: 22q13.31.
Variant type: single nucleotide variant.
Coding change: c.3169C>T on transcript NM_001378328.1 (MANE Select); coding-DNA position 3169, C replaced by T.
Protein change: p.Arg1057Cys; replaces arginine 1057 with cysteine.
Molecular consequence: missense variant.
Genome position (GRCh38, 1-based): chr22:46,534,002, G>A on the plus strand (C>T on the coding strand, the complement: CELSR1 is on the minus strand). VCF-style: chr22-46534002-G-A. GRCh37 (hg19) VCF-style: chr22-46929899-G-A.
Other names: c.3169C>T, p.Arg1057Cys (NM_014246.4); short protein forms R1057C.
Identifiers: ClinVar variation 3237429 (VCV003237429.1), dbSNP rs148349145.

ClinVar aggregate classification (germline): Uncertain significance (1 of 4 stars; one submission).

Conditions:
Lymphatic malformation 9. Identifiers: MedGen C5543365, MONDO:0030270, OMIM 619319.

Allele frequency attached by ClinVar (database versions not stated): gnomAD exomes 0.00008; ExAC 0.00011; TOPMed 0.00032; gnomAD 0.00037; ESP Exome Variant Server 0.00046; 1000 Genomes Project 30x 0.00047; 1000 Genomes Project 0.00060.
gnomAD v4.1: 172 of 1,613,640 alleles (0.011%); highest among the groups gnomAD compares: East Asian, 0.1%; no homozygotes.

Submission:

Clinical Genomics Laboratory, Washington University in St. Louis
Classification: Uncertain significance for Lymphatic malformation 9. Last evaluated: 2024-01-09. Review status: criteria provided, single submitter. Criteria: ACMG Guidelines, 2015. Collection method: clinical testing. Allele origin: germline.
Comment: A CELSR1 c.3169C>T (p.Arg1057Cys) variant was identified at a near heterozygous allelic fraction of 48%, a frequency which may be consistent with germline origin. This variant, to our knowledge, has not been reported in the medical literature in relation to lymphatic or capillary malformations. This variant is only observed on 172/1,613,640 alleles in the general population (gnomAD v.4.0.0). Computational predictors are uncertain as to the impact of this variant on CELSR1 function. Due to limited information, and based on ACMG/AMP guidelines for variant interpretation (Richards S et al., PMID: 25741868), the clinical significance of this variant is uncertain at this time.